The following is an entry in ClinVar:

NM_001367823.1(ARHGEF18):c.1435G>A (p.Glu479Lys)

Gene: ARHGEF18 (Rho/Rac guanine nucleotide exchange factor 18; plus strand). Cytogenetic location: 19p13.2.
Variant type: single nucleotide variant.
Coding change: c.1435G>A on transcript NM_001367823.1 (MANE Select); coding-DNA position 1435, G replaced by A.
Protein change: p.Glu479Lys; replaces glutamic acid 479 with lysine.
Molecular consequence: missense variant.
Genome position (GRCh38, 1-based): chr19:7,444,278, G>A. VCF-style: chr19-7444278-G-A. GRCh37 (hg19) VCF-style: chr19-7509164-G-A.
Other names: c.709G>A, p.Glu237Lys (NM_001130955.2); c.397G>A, p.Glu133Lys (NM_001367824.1, NM_015318.4); short protein forms E237K, E479K, E133K.
Identifiers: ClinVar variation 1429307 (VCV001429307.6), dbSNP rs150831146, ClinGen allele CA304885359.

ClinVar aggregate classification (germline): Uncertain significance (1 of 4 stars; one submission).

Allele frequency attached by ClinVar (database versions not stated): gnomAD exomes below 0.00001; TOPMed below 0.00001; gnomAD 0.00001; ESP Exome Variant Server 0.00008.

Submission:

Labcorp Genetics (formerly Invitae), Labcorp
Classification: Uncertain significance. Last evaluated: 2024-10-25. Review status: criteria provided, single submitter. Criteria: Invitae Variant Classification Sherloc (09022015). Collection method: clinical testing. Allele origin: germline.
Comment: This sequence change replaces glutamic acid, which is acidic and polar, with lysine, which is basic and polar, at codon 291 of the ARHGEF18 protein (p.Glu291Lys). The frequency data for this variant in the population databases is considered unreliable, as metrics indicate poor data quality at this position in the gnomAD database. This variant has not been reported in the literature in individuals affected with ARHGEF18-related conditions. ClinVar contains an entry for this variant (Variation ID: 1429307). An algorithm developed to predict the effect of missense changes on protein structure and function (PolyPhen-2) suggests that this variant is likely to be disruptive. In summary, the available evidence is currently insufficient to determine the role of this variant in disease. Therefore, it has been classified as a Variant of Uncertain Significance.